The following is an entry in ClinVar:

NM_018979.4(WNK1):c.4657C>T (p.Pro1553Ser)

Gene: WNK1 (WNK lysine deficient protein kinase 1; plus strand). Cytogenetic location: 12p13.33.
Variant type: single nucleotide variant.
Coding change: c.4657C>T on transcript NM_018979.4 (MANE Select); coding-DNA position 4657, C replaced by T.
Protein change: p.Pro1553Ser; replaces proline 1553 with serine.
Molecular consequence: missense variant.
Genome position (GRCh38, 1-based): chr12:885,461, C>T. VCF-style: chr12-885461-C-T. GRCh37 (hg19) VCF-style: chr12-994627-C-T.
Other names: c.5437C>T, p.Pro1813Ser (NM_001184985.2); c.3916C>T, p.Pro1306Ser (NM_014823.3); c.5413C>T, p.Pro1805Ser (NM_213655.5); short protein forms P1306S, P1553S, P1805S, P1813S.
Identifiers: ClinVar variation 3753180 (VCV003753180.2).

ClinVar aggregate classification (germline): Uncertain significance (1 of 4 stars; one submission).

Conditions:
Neuropathy, hereditary sensory and autonomic, type 2A (HSAN2A). Also called: ACROOSTEOLYSIS, GIACCAI TYPE; ACROOSTEOLYSIS, NEUROGENIC; MORVAN DISEASE; NEUROPATHY, CONGENITAL SENSORY; NEUROPATHY, HEREDITARY SENSORY RADICULAR, AUTOSOMAL RECESSIVE; NEUROPATHY, HEREDITARY SENSORY, TYPE IIA. Identifiers: Orphanet 970, MedGen C2752089, MONDO:0024309, OMIM 201300.
Pseudohypoaldosteronism type 2C (PHA2C). Also called: Pseudohypoaldosteronism Type IIC. Identifiers: Orphanet 757, Orphanet 88940, MedGen C1840391, MONDO:0013778, OMIM 614492.

Submission:

Labcorp Genetics (formerly Invitae), Labcorp
Classification: Uncertain significance for Neuropathy, hereditary sensory and autonomic, type 2A; Pseudohypoaldosteronism type 2C. Last evaluated: 2024-03-25. Review status: criteria provided, single submitter. Criteria: Invitae Variant Classification Sherloc (09022015). Collection method: clinical testing. Allele origin: germline.
Comment: This sequence change replaces proline, which is neutral and non-polar, with serine, which is neutral and polar, at codon 1805 of the WNK1 protein (p.Pro1805Ser). This variant is not present in population databases (gnomAD no frequency). This variant has not been reported in the literature in individuals affected with WNK1-related conditions. Advanced modeling of protein sequence and biophysical properties (such as structural, functional, and spatial information, amino acid conservation, physicochemical variation, residue mobility, and thermodynamic stability) performed at Invitae indicates that this missense variant is not expected to disrupt WNK1 protein function with a negative predictive value of 95%. In summary, the available evidence is currently insufficient to determine the role of this variant in disease. Therefore, it has been classified as a Variant of Uncertain Significance.